The following is an entry in ClinVar:

ClinVar aggregate classification (germline): Uncertain significance. Review status: criteria provided, multiple submitters, no conflicts (2 of 4 stars). 2 submissions from 2 submitters: Uncertain significance (2). Last evaluated 2022-01-26.

Conditions:
Familial adenomatous polyposis 3. Also called: NTHL1-Related Adenomatous Polyposis and Colorectal Cancer; NTHL1 Tumor Syndrome; NTHL1-associated polyposis; NTHL1-related attenuated familial adenomatous polyposis. Identifiers: Orphanet 220460, Orphanet 454840, MedGen C4225157, MONDO:0014630, OMIM 616415.

Submissions (2):

MGZ Medical Genetics Center
Classification: Uncertain significance for Familial adenomatous polyposis 3. Last evaluated: 2022-01-26. Review status: criteria provided, single submitter. Criteria: ACMG Guidelines, 2015. Collection method: clinical testing. Allele origin: germline. Affected: yes. Observed: 1 variant allele.
Comment: ACMG criteria applied: PM2_SUP, PP3

Labcorp Genetics (formerly Invitae), Labcorp
Classification: Uncertain significance. Last evaluated: 2019-10-08. Review status: criteria provided, single submitter. Criteria: Invitae Variant Classification Sherloc (09022015). Collection method: clinical testing. Allele origin: germline.
Comment: This sequence change falls in intron 1 of the NTHL1 gene. It does not directly change the encoded amino acid sequence of the NTHL1 protein. This variant is not present in population databases (ExAC no frequency). This variant has not been reported in the literature in individuals with NTHL1-related conditions. Algorithms developed to predict the effect of sequence changes on RNA splicing suggest that this variant may disrupt the consensus splice site, but this prediction has not been confirmed by published transcriptional studies. In summary, the available evidence is currently insufficient to determine the role of this variant in disease. Therefore, it has been classified as a Variant of Uncertain Significance.

NM_002528.7(NTHL1):c.116-9T>A

Gene: NTHL1 (nth like DNA glycosylase 1; minus strand). Cytogenetic location: 16p13.3.
Variant type: single nucleotide variant.
Coding change: c.116-9T>A on transcript NM_002528.7 (MANE Select); 9 bases into the intron before coding-DNA position 116, T replaced by A.
Molecular consequence: intron variant.
Genome position (GRCh38, 1-based): chr16:2,046,375, A>T on the plus strand (T>A on the coding strand, the complement: NTHL1 is on the minus strand). VCF-style: chr16-2046375-A-T. GRCh37 (hg19) VCF-style: chr16-2096376-A-T.
Other names: c.-63-9T>A (NM_001318194.2); c.116-9T>A (NM_001318193.2).
Identifiers: ClinVar variation 958995 (VCV000958995.11), dbSNP rs1596223613, ClinGen allele CA1139664322.